The following is an entry in ClinVar:

NM_003108.4(SOX11):c.1153_1160del (p.Ala385fs)

Gene: SOX11 (SRY-box transcription factor 11; plus strand). Cytogenetic location: 2p25.2.
Variant type: Deletion.
Coding change: c.1153_1160del on transcript NM_003108.4 (MANE Select); coding-DNA positions 1153 to 1160, 8 bases deleted (GCGGCGGC; older notation c.1153_1160delGCGGCGGC).
Protein change: p.Ala385fs; shifts the reading frame from alanine 385.
Molecular consequence: frameshift variant.
Genome position (GRCh38, 1-based): chr2:5,693,874-5,693,881, GCGGCGGC deleted; deleting any 8 consecutive bases within chr2:5,693,868-5,693,881 gives the same sequence; the c. name uses the placement nearest the transcript's 3' end. VCF-style (leftmost placement, unchanged base first): chr2-5693867-GGGCGGCGC-G. GRCh37 (hg19) VCF-style: chr2-5833999-GGGCGGCGC-G.
Other names: short protein forms A385fs.
Identifiers: ClinVar variation 373205 (VCV000373205.1), dbSNP rs1057518282, ClinGen allele CA16042434.

ClinVar aggregate classification (germline): Likely pathogenic (1 of 4 stars; one submission).

Submission:

GeneDx
Classification: Likely pathogenic. Last evaluated: 2016-11-29. Review status: criteria provided, single submitter. Criteria: GeneDx Variant Classification (06012015). Collection method: clinical testing. Allele origin: germline. Affected: yes.
Comment: The c.1153_1160delGCGGCGGC variant in the SOX11 gene has not been reported previously as a pathogenic variant nor as a benign variant, to our knowledge. The c.1153_1160delGCGGCGGC variant causes a frameshift starting with codon Alanine 385, changes this amino acid to an Arginine residue, and creates a premature Stop codon at position 10 of the new reading frame, denoted p.Ala385ArgfsX10. This variant is predicted to cause loss of normal protein function through protein truncation as the last 57 amino acids of the protein are lost and replaced with 9 incorrect amino acids. The c.1153_1160delGCGGCGGC variant was not observed in the Exome Aggregation Consortium (ExAC) data set, indicating it is not a common benign variant (Lek et al., 2016). We interpret c.1153_1160delGCGGCGGC as a likely pathogenic variant